The following is an entry in ClinVar:

NM_001371623.1(TCOF1):c.325A>G (p.Asn109Asp)

Gene: TCOF1 (treacle ribosome biogenesis factor 1; plus strand). Cytogenetic location: 5q32.
Variant type: single nucleotide variant.
Coding change: c.325A>G on transcript NM_001371623.1 (MANE Select); coding-DNA position 325, A replaced by G.
Protein change: p.Asn109Asp; replaces asparagine 109 with aspartic acid.
Molecular consequence: missense variant.
Genome position (GRCh38, 1-based): chr5:150,367,864, A>G. VCF-style: chr5-150367864-A-G. GRCh37 (hg19) VCF-style: chr5-149747427-A-G.
Other names: c.325A>G, p.Asn109Asp (NM_000356.4, NM_001008657.3, NM_001135243.2 and 3 more transcripts); short protein forms N109D.
Identifiers: ClinVar variation 1065029 (VCV001065029.3), dbSNP rs2150538355, ClinGen allele CA361733292.

ClinVar aggregate classification (germline): Uncertain significance (1 of 4 stars; one submission).

Conditions:
Hearing impairment. Also called: Impaired Hearing. Identifiers: MedGen C1384666, MONDO:0005365, HP:0000365.

Submission:

Department of Otolaryngology – Head & Neck Surgery, Cochlear Implant Center
Classification: Uncertain significance for Hearing impairment. Last evaluated: 2021-04-12. Review status: criteria provided, single submitter. Criteria: ClinGen HL ACMG Specifications v1. Collection method: clinical testing. Allele origin: germline. Affected: yes.
Comment: PM2_Moderate, PP3_Supporting